The following is an entry in ClinVar:

ClinVar aggregate classification (germline): Likely pathogenic. Review status: criteria provided, multiple submitters, no conflicts (2 of 4 stars). 3 submissions from 3 submitters: Likely pathogenic (3). Last evaluated 2024-09-25.

Conditions:
Biotinidase deficiency. Also called: BTD deficiency; Late-onset biotin-responsive multiple carboxylase deficiency; Biotin deficiency. Identifiers: Orphanet 79241, MedGen C0220754, MONDO:0009665, OMIM 253260.

Allele frequency attached by ClinVar (database versions not stated): TOPMed below 0.00001.

Submissions (3):

Women's Health and Genetics/Laboratory Corporation of America, LabCorp
Classification: Likely pathogenic for Biotinidase deficiency. Last evaluated: 2024-09-25. Review status: criteria provided, single submitter. Criteria: LabCorp Variant Classification Summary - May 2015. Collection method: clinical testing. Allele origin: germline.
Comment: Variant summary: BTD c.274G>C (p.Glu92Gln) results in a conservative amino acid change located in the carbon-nitrogen hydrolase domain of the encoded protein sequence. This amino acid position has also been reported to be part of the catalytic triad active site (e.g.,Pindolia_2010 ). Four of five in-silico tools predict a damaging effect of the variant on protein function. The variant was absent in 250318 control chromosomes. c.274G>C has been reported in the literature in two compound heterozygous siblings affected with Biotinidase Deficiency (e.g, Pomponio_1997, Norrgard_1999). These data indicate that the variant may be associated with disease. Additionally, serum from a patient compound heterozygous with a null variant, showed that this variant resulted in protein with no detectable hydrolase or transferase activity (e.g, Pomponio_1997). The following publications have been ascertained in the context of this evaluation (PMID: 10400129, 20556795, 9396567). ClinVar contains an entry for this variant (Variation ID: 24997). Based on the evidence outlined above, the variant was classified as likely pathogenic.

Labcorp Genetics (formerly Invitae), Labcorp
Classification: Likely pathogenic for Biotinidase deficiency. Last evaluated: 2018-07-19. Review status: criteria provided, single submitter. Criteria: Invitae Variant Classification Sherloc (09022015). Collection method: clinical testing. Allele origin: germline.
Comment: This sequence change replaces glutamic acid with glutamine at codon 112 of the BTD protein (p.Glu112Gln). The glutamic acid residue is highly conserved and there is a small physicochemical difference between glutamic acid and glutamine. This variant is not present in population databases (ExAC no frequency). This variant has been observed on the opposite chromosome (in trans) from a pathogenic variant in an individual affected with profound biotinidase deficiency (PMID: 9396567). This finding is consistent with autosomal recessive inheritance, and suggests that this variant contributes to disease. ClinVar contains an entry for this variant (Variation ID: 24997). Algorithms developed to predict the effect of missense changes on protein structure and function (SIFT, PolyPhen-2, Align-GVGD) all suggest that this variant is likely to be disruptive, but these predictions have not been confirmed by published functional studies and their clinical significance is uncertain. The observation of one or more missense substitutions at this codon (p.Glu112Gln, p.Glu112Lys) in affected individuals suggests that this may be a clinically significant residue (PMID: 9396567, 14707518). In summary, the currently available evidence indicates that the variant is pathogenic, but additional data are needed to prove that conclusively. Therefore, this variant has been classified as Likely Pathogenic.

Quest Diagnostics Nichols Institute San Juan Capistrano
Classification: Likely pathogenic. Last evaluated: 2018-05-25. Review status: criteria provided, single submitter. Criteria: Quest Diagnostics criteria. Collection method: clinical testing. Allele origin: germline.

Literature cited by the submitters: PubMed 10400129 (cited by Women's Health and Genetics/Laboratory Corporation of America, LabCorp); PubMed 9396567 (cited by Women's Health and Genetics/Laboratory Corporation of America, LabCorp and Labcorp Genetics (formerly Invitae), Labcorp); PubMed 20556795 (cited by Women's Health and Genetics/Laboratory Corporation of America, LabCorp); PubMed 14707518 (cited by Labcorp Genetics (formerly Invitae), Labcorp).

NM_001370658.1(BTD):c.274G>C (p.Glu92Gln)

Gene: BTD (biotinidase; plus strand). Cytogenetic location: 3p25.1.
Variant type: single nucleotide variant.
Coding change: c.274G>C on transcript NM_001370658.1 (MANE Select); coding-DNA position 274, G replaced by C.
Protein change: p.Glu92Gln; replaces glutamic acid 92 with glutamine.
Molecular consequence: missense variant.
Genome position (GRCh38, 1-based): chr3:15,641,932, G>C. VCF-style: chr3-15641932-G-C. GRCh37 (hg19) VCF-style: chr3-15683439-G-C.
Other names: c.334G>C, p.Glu112Gln (NM_000060.4); c.274G>C, p.Glu92Gln (NM_001281723.4, NM_001281724.3, NM_001281725.3 and 36 more transcripts); c.337G>C, p.Glu113Gln (NM_001407381.1); short protein forms E92Q, E113Q.
Identifiers: ClinVar variation 24997 (VCV000024997.13), dbSNP rs397514352, ClinGen allele CA278187.
Genomic context (GRCh38, chr3:15,641,932, plus strand): 5'-TGATAACAGACTATTCTTTGATGTTTTCATTTTCAGGATGTACAGATTATAGTGTTTCCA[G>C]AAGATGGCATTCATGGATTCAACTTTACAAGAACATCCATTTATCCATTTTTGGACTTCA-3'
Protein context (NP_001357587.1, residues 82-102): QKDVQIIVFP[Glu92Gln]DGIHGFNFTR